The following is an entry in ClinVar:

ClinVar aggregate classification (germline): Uncertain significance (1 of 4 stars; one submission).

Conditions:
Familial focal epilepsy with variable foci (FPEVF). Identifiers: Orphanet 98820, MedGen C1858477, MONDO:0020310.

Submission:

Labcorp Genetics (formerly Invitae), Labcorp
Classification: Uncertain significance for Familial focal epilepsy with variable foci. Last evaluated: 2025-02-20. Review status: criteria provided, single submitter. Criteria: Invitae Variant Classification Sherloc (09022015). Collection method: clinical testing. Allele origin: germline.
Comment: This sequence change replaces threonine, which is neutral and polar, with alanine, which is neutral and non-polar, at codon 353 of the DEPDC5 protein (p.Thr353Ala). This variant is not present in population databases (gnomAD no frequency). This variant has not been reported in the literature in individuals affected with DEPDC5-related conditions. Experimental studies and prediction algorithms are not available or were not evaluated, and the functional significance of this variant is currently unknown. In summary, the available evidence is currently insufficient to determine the role of this variant in disease. Therefore, it has been classified as a Variant of Uncertain Significance.

NM_001242896.3(DEPDC5):c.1057A>G (p.Thr353Ala)

Gene: DEPDC5 (DEP domain containing 5, GATOR1 subcomplex subunit; plus strand). Cytogenetic location: 22q12.3.
Variant type: single nucleotide variant.
Coding change: c.1057A>G on transcript NM_001242896.3 (MANE Select); coding-DNA position 1057, A replaced by G.
Protein change: p.Thr353Ala; replaces threonine 353 with alanine.
Molecular consequence: missense variant. On other transcripts: non-coding transcript variant (5).
Genome position (GRCh38, 1-based): chr22:31,802,814, A>G. VCF-style: chr22-31802814-A-G. GRCh37 (hg19) VCF-style: chr22-32198800-A-G.
Other names: c.1057A>G, p.Thr353Ala (NM_001007188.4, NM_001136029.4, NM_001242897.2 and 7 more transcripts); c.973A>G, p.Thr325Ala (NM_001369901.1, NM_001369902.1); short protein forms T353A, T325A.
Identifiers: ClinVar variation 4713572 (VCV004713572.1).